The following is an entry in ClinVar:

NM_003239.5(TGFB3):c.1080+6G>C

Gene: TGFB3 (transforming growth factor beta 3; minus strand). Cytogenetic location: 14q24.3.
Variant type: single nucleotide variant.
Coding change: c.1080+6G>C on transcript NM_003239.5 (MANE Select); 6 bases into the intron after coding-DNA position 1080, G replaced by C.
Molecular consequence: intron variant.
Genome position (GRCh38, 1-based): chr14:75,960,917, C>G on the plus strand (G>C on the coding strand, the complement: TGFB3 is on the minus strand). VCF-style: chr14-75960917-C-G. GRCh37 (hg19) VCF-style: chr14-76427260-C-G.
Other names: c.1080+6G>C (NM_001329939.2).
Identifiers: ClinVar variation 4690461 (VCV004690461.1).

ClinVar aggregate classification (germline): Uncertain significance (1 of 4 stars; one submission).

Conditions:
Rienhoff syndrome. Also called: LOEYS-DIETZ SYNDROME 5. Identifiers: MedGen C3810012, MONDO:0014262, OMIM 615582.

Submission:

Labcorp Genetics (formerly Invitae), Labcorp
Classification: Uncertain significance for Rienhoff syndrome. Last evaluated: 2025-04-27. Review status: criteria provided, single submitter. Criteria: Invitae Variant Classification Sherloc (09022015). Collection method: clinical testing. Allele origin: germline.
Comment: This sequence change falls in intron 6 of the TGFB3 gene. It does not directly change the encoded amino acid sequence of the TGFB3 protein. It affects a nucleotide within the consensus splice site. This variant is not present in population databases (gnomAD no frequency). This variant has not been reported in the literature in individuals affected with TGFB3-related conditions. Variants that disrupt the consensus splice site are a relatively common cause of aberrant splicing (PMID: 17576681, 9536098). Algorithms developed to predict the effect of sequence changes on RNA splicing suggest that this variant is not likely to affect RNA splicing. In summary, the available evidence is currently insufficient to determine the role of this variant in disease. Therefore, it has been classified as a Variant of Uncertain Significance.

Literature cited by the submitters: PubMed 17576681; PubMed 9536098.